The following is an entry in ClinVar:

NM_001377.3(DYNC2H1):c.4759A>G (p.Thr1587Ala)

Gene: DYNC2H1 (dynein cytoplasmic 2 heavy chain 1; plus strand). Cytogenetic location: 11q22.3.
Variant type: single nucleotide variant.
Coding change: c.4759A>G on transcript NM_001377.3 (MANE Select); coding-DNA position 4759, A replaced by G.
Protein change: p.Thr1587Ala; replaces threonine 1587 with alanine.
Molecular consequence: missense variant.
Genome position (GRCh38, 1-based): chr11:103,166,045, A>G. VCF-style: chr11-103166045-A-G. GRCh37 (hg19) VCF-style: chr11-103036774-A-G.
Other names: p.Thr1587Ala; c.4759A>G, p.Thr1587Ala (NM_001080463.2); short protein forms T1587A.
Identifiers: ClinVar variation 2076196 (VCV002076196.1), dbSNP rs563473839, ClinGen allele CA6253621.

ClinVar aggregate classification (germline): Uncertain significance. Review status: criteria provided, multiple submitters, no conflicts (2 of 4 stars). 2 submissions from 2 submitters: Uncertain significance (2). Last evaluated 2026-01-14.

Conditions:
Jeune thoracic dystrophy. Also called: Short-rib thoracic dysplasia; Jeune syndrome; Infantile thoracic dystrophy; Thoracic pelvic phalangeal dystrophy; Jeune's syndrome; Chondroectodermal dysplasia-like syndrome. Identifiers: Orphanet 474, MedGen C0265275, MONDO:0018770.
Asphyxiating thoracic dystrophy 3. Also called: SHORT-RIB THORACIC DYSPLASIA 3 WITH OR WITHOUT POLYDACTYLY; POLYDACTYLY WITH NEONATAL CHONDRODYSTROPHY, TYPE I; SHORT-RIB THORACIC DYSPLASIA 3/6 WITH POLYDACTYLY, DIGENIC; Saldino-Noonan Syndrome; Short rib polydactyly syndrome 2B. Identifiers: Orphanet 474, Orphanet 93269, Orphanet 93270, Orphanet 93271, MedGen C0036069, MONDO:0013127, OMIM 613091.

Allele frequency attached by ClinVar (database versions not stated): gnomAD exomes 0.00001; gnomAD 0.00002; TOPMed 0.00003; 1000 Genomes Project 30x 0.00016; 1000 Genomes Project 0.00020.
gnomAD v4.1: 17 of 1,517,850 alleles (0.0011%); highest among the groups gnomAD compares: Middle Eastern, 0.019%; no homozygotes.

Submissions (2):

Department of Molecular Genetics, Istishari Arab Hospital
Classification: Uncertain significance for Asphyxiating thoracic dystrophy 3. Last evaluated: 2026-01-14. Review status: criteria provided, single submitter. Criteria: ACMG Guidelines, 2015. Collection method: clinical testing. Allele origin: germline. Inheritance: Autosomal recessive inheritance. Affected: yes.
Comment: The DYNC2H1 variant c.4759A>G, p.Thr1587Ala creates an amino acid change from Thr to Ala at position 1587. This variant is observed with very low frequency (<0.001) in the gnomAD v4.1.0 dataset. This variant has not previously been reported in the literature. It is classified as a variant of uncertain significance according to the recommendations of ACMG/AMP/ClinGen SVI guidelines.

Labcorp Genetics (formerly Invitae), Labcorp
Classification: Uncertain significance for Jeune thoracic dystrophy. Last evaluated: 2022-03-28. Review status: criteria provided, single submitter. Criteria: Invitae Variant Classification Sherloc (09022015). Collection method: clinical testing. Allele origin: germline.
Comment: This sequence change replaces threonine, which is neutral and polar, with alanine, which is neutral and non-polar, at codon 1587 of the DYNC2H1 protein (p.Thr1587Ala). The frequency data for this variant in the population databases is considered unreliable, as metrics indicate poor data quality at this position in the gnomAD database. This variant has not been reported in the literature in individuals affected with DYNC2H1-related conditions. Advanced modeling of protein sequence and biophysical properties (such as structural, functional, and spatial information, amino acid conservation, physicochemical variation, residue mobility, and thermodynamic stability) performed at Invitae indicates that this missense variant is not expected to disrupt DYNC2H1 protein function. In summary, the available evidence is currently insufficient to determine the role of this variant in disease. Therefore, it has been classified as a Variant of Uncertain Significance.